The following is an entry in ClinVar:

ClinVar aggregate classification (germline): Pathogenic (1 of 4 stars; one submission).

Conditions:
Retinoblastoma (RB1). Also called: RETINOBLASTOMA, SOMATIC. Identifiers: Orphanet 790, MedGen C0035335, MeSH D012175, MONDO:0008380, OMIM 180200, HP:0009919. Disease mechanism: loss of function. Inheritance: Both sporadic and heritable forms are tested..

Submission:

Labcorp Genetics (formerly Invitae), Labcorp
Classification: Pathogenic for Retinoblastoma. Last evaluated: 2023-08-15. Review status: criteria provided, single submitter. Criteria: Invitae Variant Classification Sherloc (09022015). Collection method: clinical testing. Allele origin: unknown.
Comment: This variant is a gross deletion of the genomic region encompassing exon(s) 10-11 of the RB1 gene. This deletion is out-of-frame, and is expected to create a premature termination codon and result in an absent or disrupted protein product. Loss-of-function variants in RB1 are known to be pathogenic (PMID: 17096365). A similar copy number variant has been observed in individual(s) with bilateral retinoblastoma (PMID: 15884040). For these reasons, this variant has been classified as Pathogenic.

Literature cited by the submitters: PubMed 17096365; PubMed 15884040.

NC_000013.10:g.(?_48941610)_(48942760_?)del

Gene: RB1 (RB transcriptional corepressor 1; plus strand). Cytogenetic location: 13q14.2.
Variant type: Deletion.
Identifiers: ClinVar variation 3244124 (VCV003244124.1).